The following is an entry in ClinVar:

NM_004304.5(ALK):c.2680A>T (p.Lys894Ter)

Gene: ALK (ALK receptor tyrosine kinase; minus strand). Cytogenetic location: 2p23.2.
Variant type: single nucleotide variant.
Coding change: c.2680A>T on transcript NM_004304.5 (MANE Select); coding-DNA position 2680, A replaced by T.
Protein change: p.Lys894Ter; replaces lysine 894 with a stop codon.
Molecular consequence: nonsense.
Genome position (GRCh38, 1-based): chr2:29,229,019, T>A on the plus strand (A>T on the coding strand, the complement: ALK is on the minus strand). VCF-style: chr2-29229019-T-A. GRCh37 (hg19) VCF-style: chr2-29451885-T-A.
Other names: short protein forms K894*.
Identifiers: ClinVar variation 4879404 (VCV004879404.1).

ClinVar aggregate classification (germline): Uncertain significance (1 of 4 stars; one submission).

Conditions:
Neuroblastoma, susceptibility to, 3. Also called: ALK-Related Neuroblastic Tumor Susceptibility. Identifiers: Orphanet 635, MedGen C2751681, MONDO:0013083, OMIM 613014.

Submission:

Institute of Human Genetics, University of Leipzig Medical Center
Classification: Uncertain significance for Neuroblastoma, susceptibility to, 3. Last evaluated: 2026-06-22. Review status: criteria provided, single submitter. Criteria: ACMG Guidelines, 2015. Collection method: clinical testing. Allele origin: unknown. Inheritance: Autosomal dominant inheritance. Affected: yes.
Comment: Criteria applied: PM2_SUP